The following is an entry in ClinVar:

ClinVar aggregate classification (germline): Conflicting classifications of pathogenicity. Review status: criteria provided, conflicting classifications (1 of 4 stars). 4 submissions from 4 submitters: Likely pathogenic (2); Uncertain significance (1). 1 of the submissions does not count toward it. Last evaluated 2025-01-09.

Conditions:
Early-infantile DEE. Also called: Ohtahara syndrome; Early infantile epileptic encephalopathy; Early infantile epileptic encephalopathy with suppression bursts. Identifiers: Orphanet 1934, MedGen C0393706, MONDO:0800491.
Severe myoclonic epilepsy in infancy (DRVT). Also called: Epileptic encephalopathy, early infantile, 6 (Dravet syndrome); DEVELOPMENTAL AND EPILEPTIC ENCEPHALOPATHY 6A; Severe Myoclonic Epilepsy in Infancy (SMEI); SEVERE MYOCLONIC EPILEPSY OF INFANCY; Dravet syndrome. Identifiers: Orphanet 33069, MedGen C0751122, MONDO:0100135, OMIM 607208.

Submissions (4):

GeneDx
Classification: Likely pathogenic. Last evaluated: 2025-01-09. Review status: criteria provided, single submitter. Criteria: GeneDx Variant Classification Process June 2021. Collection method: clinical testing. Allele origin: germline. Affected: yes.
Comment: Observed in a patient with epilepsy in published literature (PMID: 29655203); This substitution is predicted to be within the transmembrane segment S2 of the first homologous domain; Not observed at significant frequency in large population cohorts (gnomAD); In silico analysis supports that this missense variant has a deleterious effect on protein structure/function; This variant is associated with the following publications: (PMID: 29655203, 37955180)

CeGaT Center for Human Genetics Tuebingen
Classification: Likely pathogenic. Last evaluated: 2022-02-01. Review status: criteria provided, single submitter. Criteria: CeGaT Center For Human Genetics Tuebingen Variant Classification Criteria Version 2. Collection method: clinical testing. Allele origin: germline. Affected: yes. Observed: 1 variant allele.

Labcorp Genetics (formerly Invitae), Labcorp
Classification: Uncertain significance for Early-infantile DEE. Last evaluated: 2017-09-18. Review status: criteria provided, single submitter. Criteria: Invitae Variant Classification Sherloc (09022015). Collection method: clinical testing. Allele origin: germline.
Comment: This variant identified in the SCN1A gene is located in the transmembrane spanning D1-S2 region of the resulting protein (PMID: 25348405, 18804930), but it is unclear how this variant impacts the function of this protein. In summary, the available evidence is currently insufficient to determine the role of this variant in disease. Therefore, it has been classified as a Variant of Uncertain Significance. Algorithms developed to predict the effect of missense changes on protein structure and function do not agree on the potential impact of this missense change (SIFT: "Deleterious"; PolyPhen-2: "Benign"; Align-GVGD: "Class C25"). This variant has not been reported in the literature in individuals with a SCN1A-related disease. ClinVar contains an entry for this variant (Variation ID: 206928). This variant is not present in population databases (ExAC no frequency). This sequence change replaces glutamic acid with glutamine at codon 158 of the SCN1A protein (p.Glu158Gln). The glutamic acid residue is highly conserved and there is a small physicochemical difference between glutamic acid and glutamine.

Centre de Biologie Pathologie Génétique, Centre Hospitalier Universitaire de Lille
Classification: Likely pathogenic for Severe myoclonic epilepsy in infancy. Last evaluated: 2019-01-01. Review status: no assertion criteria provided. Collection method: clinical testing. Allele origin: unknown. Affected: yes. Not counted in ClinVar's aggregate classification.

Literature cited by the submitters: PubMed 25348405 (cited by Labcorp Genetics (formerly Invitae), Labcorp); PubMed 18804930 (cited by Labcorp Genetics (formerly Invitae), Labcorp).

NM_001165963.4(SCN1A):c.472G>C (p.Glu158Gln)

Gene: SCN1A (sodium voltage-gated channel alpha subunit 1; minus strand). Cytogenetic location: 2q24.3.
Variant type: single nucleotide variant.
Coding change: c.472G>C on transcript NM_001165963.4 (MANE Select); coding-DNA position 472, G replaced by C.
Protein change: p.Glu158Gln; replaces glutamic acid 158 with glutamine.
Molecular consequence: missense variant. On other transcripts: 5 prime UTR variant (1), non-coding transcript variant (1).
Genome position (GRCh38, 1-based): chr2:166,056,412, C>G on the plus strand (G>C on the coding strand, the complement: SCN1A is on the minus strand). VCF-style: chr2-166056412-C-G. GRCh37 (hg19) VCF-style: chr2-166912922-C-G.
Other names: p.E158Q:GAA>CAA; c.472G>C, p.Glu158Gln (NM_001165964.3, NM_001202435.3, NM_001353948.2 and 10 more transcripts); c.-1954G>C (NM_001353961.2); short protein forms E158Q.
Identifiers: ClinVar variation 206928 (VCV000206928.46), dbSNP rs796053090, ClinGen allele CA317752.